The following is an entry in ClinVar:

ClinVar aggregate classification (germline): Uncertain significance (1 of 4 stars; one submission).

Submission:

Labcorp Genetics (formerly Invitae), Labcorp
Classification: Uncertain significance. Last evaluated: 2024-11-05. Review status: criteria provided, single submitter. Criteria: Invitae Variant Classification Sherloc (09022015). Collection method: clinical testing. Allele origin: germline.
Comment: This variant, c.1220_1222del, results in the deletion of 1 amino acid(s) of the ANKZF1 protein (p.Gly407del), but otherwise preserves the integrity of the reading frame. This variant is present in population databases (rs781695896, gnomAD 0.002%). This variant has not been reported in the literature in individuals affected with ANKZF1-related conditions. ClinVar contains an entry for this variant (Variation ID: 2020874). Experimental studies and prediction algorithms are not available or were not evaluated, and the functional significance of this variant is currently unknown. In summary, the available evidence is currently insufficient to determine the role of this variant in disease. Therefore, it has been classified as a Variant of Uncertain Significance.

NM_018089.3(ANKZF1):c.1220_1222del (p.Gly407del)

Gene: ANKZF1 (ankyrin repeat and zinc finger peptidyl tRNA hydrolase 1; plus strand). Cytogenetic location: 2q35.
Variant type: Deletion.
Coding change: c.1220_1222del on transcript NM_018089.3 (MANE Select); coding-DNA positions 1220 to 1222, 3 bases deleted (GAG; older notation c.1220_1222delGAG).
Protein change: p.Gly407del; deletes glycine 407.
Molecular consequence: inframe deletion.
Genome position (GRCh38, 1-based): chr2:219,234,841-219,234,843, GAG deleted; deleting any 3 consecutive bases within chr2:219,234,840-219,234,843 gives the same sequence; the c. name uses the placement nearest the transcript's 3' end. VCF-style (leftmost placement, unchanged base first): chr2-219234839-GGGA-G. GRCh37 (hg19) VCF-style: chr2-220099561-GGGA-G.
Other names: c.1220_1222del, p.Gly407del (NM_001042410.2); c.590_592del, p.Gly197del (NM_001282792.2); short protein forms G197del, G407del.
Identifiers: ClinVar variation 2020874 (VCV002020874.4), dbSNP rs781695896, ClinGen allele CA2121019.